The following is an entry in ClinVar:

NM_001048174.2(MUTYH):c.878G>C (p.Gly293Ala)

Gene: MUTYH (mutY DNA glycosylase; minus strand). Cytogenetic location: 1p34.1.
Variant type: single nucleotide variant.
Coding change: c.878G>C on transcript NM_001048174.2 (MANE Select); coding-DNA position 878, G replaced by C.
Protein change: p.Gly293Ala; replaces glycine 293 with alanine.
Molecular consequence: missense variant. On other transcripts: non-coding transcript variant (7).
Genome position (GRCh38, 1-based): chr1:45,332,058, C>G on the plus strand (G>C on the coding strand, the complement: MUTYH is on the minus strand). VCF-style: chr1-45332058-C-G. GRCh37 (hg19) VCF-style: chr1-45797730-C-G.
Other names: c.878G>C, p.Gly293Ala (NM_001048171.2, NM_001407070.1, NM_001407072.1 and 6 more transcripts); c.881G>C, p.Gly294Ala (NM_001048172.2, NM_001407071.1, NM_001407078.1 and 1 more transcripts); c.533G>C, p.Gly178Ala (NM_001350651.2, NM_001350650.2, NM_001407082.1); c.911G>C, p.Gly304Ala (NM_001407069.1, NM_001407077.1, NM_001293191.2); c.794G>C, p.Gly265Ala (NM_001407075.1); c.602G>C, p.Gly201Ala (NM_001407091.1, NM_001293192.2, NM_001293196.2); c.953G>C, p.Gly318Ala (NM_012222.3); c.962G>C, p.Gly321Ala (NM_001128425.2); and 5 more; short protein forms G280A, G293A, G294A, G300A, G321A, G178A, G201A, G304A.
Identifiers: ClinVar variation 4113959 (VCV004113959.1).

ClinVar aggregate classification (germline): Uncertain significance (1 of 4 stars; one submission).

Conditions:
Hereditary cancer-predisposing syndrome. Also called: Hereditary neoplastic syndrome; Neoplastic Syndromes, Hereditary; Tumor predisposition; Hereditary Cancer Syndrome. Identifiers: Orphanet 140162, MedGen C0027672, MeSH D009386, MONDO:0015356.

Submission:

Ambry Genetics
Classification: Uncertain significance for Hereditary cancer-predisposing syndrome. Last evaluated: 2025-08-27. Review status: criteria provided, single submitter. Criteria: Ambry Variant Classification Scheme 2023. Collection method: clinical testing. Allele origin: germline.
Comment: The p.G321A variant (also known as c.962G>C), located in coding exon 11 of the MUTYH gene, results from a G to C substitution at nucleotide position 962. The glycine at codon 321 is replaced by alanine, an amino acid with similar properties. This amino acid position is conserved. In addition, this alteration is predicted to be tolerated by in silico analysis. Based on the available evidence, the clinical significance of this variant remains unclear.